The following is an entry in ClinVar:

NM_001375524.1(TRRAP):c.5513A>C (p.Tyr1838Ser)

Gene: TRRAP (transformation/transcription domain associated protein; plus strand). Cytogenetic location: 7q22.1.
Variant type: single nucleotide variant.
Coding change: c.5513A>C on transcript NM_001375524.1 (MANE Select); coding-DNA position 5513, A replaced by C.
Protein change: p.Tyr1838Ser; replaces tyrosine 1838 with serine.
Molecular consequence: missense variant.
Genome position (GRCh38, 1-based): chr7:98,953,216, A>C. VCF-style: chr7-98953216-A-C. GRCh37 (hg19) VCF-style: chr7-98550839-A-C.
Other names: c.5492A>C (NM_001244580.1); c.5438A>C (NM_003496.3); c.5492A>C, p.Tyr1831Ser (NM_001244580.2); c.5438A>C, p.Tyr1813Ser (NM_003496.4); short protein forms Y1813S, Y1831S, Y1838S.
Identifiers: ClinVar variation 2416744 (VCV002416744.8), dbSNP rs782341280, ClinGen allele CA4360601.
Genomic context (GRCh38, chr7:98,953,216, plus strand): 5'-TCCCTGCACAGGTCCTGGACCCCGAGAAGCAGGCGGACATGCTGGACTCGCTGCGGATCT[A>C]CCTGCTGCAGTACGCCACGCTGCTGGTGGAGCACGCCCCCCACCACATCCATGACAACAA-3'
Protein context (NP_001362453.1, residues 1828-1848): QADMLDSLRI[Tyr1838Ser]LLQYATLLVE

ClinVar aggregate classification (germline): Conflicting classifications of pathogenicity. Review status: criteria provided, conflicting classifications (1 of 4 stars). 3 submissions from 3 submitters: Uncertain significance (1); Benign (1); Likely benign (1). Last evaluated 2025-08-20.

Conditions:
TRRAP-related disorder. Also called: TRRAP-related condition.
Inborn genetic diseases. Identifiers: MedGen C0950123, MeSH D030342.

Allele frequency attached by ClinVar (database versions not stated): gnomAD 0.00003; ExAC 0.00006.
gnomAD v4.1: 110 of 1,612,860 alleles (0.0068%); highest among the groups gnomAD compares: Non-Finnish European, 0.0086%; no homozygotes.

Submissions (3):

PreventionGenetics, part of Exact Sciences
Classification: Uncertain significance for TRRAP-related condition. Last evaluated: 2025-08-20. Review status: criteria provided, single submitter. Criteria: ACMG Guidelines, 2015. Collection method: clinical testing. Allele origin: germline.
Comment: The TRRAP c.5438A>C variant is predicted to result in the amino acid substitution p.Tyr1813Ser. To our knowledge, this variant has not been reported in the literature. This variant is reported in 0.0086% of alleles in individuals of European (Non-Finnish) descent in gnomAD. At this time, the clinical significance of this variant is uncertain due to the absence of conclusive functional and genetic evidence.

Labcorp Genetics (formerly Invitae), Labcorp
Classification: Benign. Last evaluated: 2024-11-25. Review status: criteria provided, single submitter. Criteria: Invitae Variant Classification Sherloc (09022015). Collection method: clinical testing. Allele origin: germline.

Ambry Genetics
Classification: Likely benign for Inborn genetic diseases. Last evaluated: 2024-10-19. Review status: criteria provided, single submitter. Criteria: Ambry Variant Classification Scheme 2023. Collection method: clinical testing. Allele origin: germline.